The following is an entry in ClinVar:

NC_000002.11:g.(?_15555650)_(15567938_?)dup

Gene: NBAS (NBAS subunit of NRZ tethering complex; minus strand). Cytogenetic location: 2p24.3.
Variant type: Duplication.
Identifiers: ClinVar variation 2426234 (VCV002426234.2).

ClinVar aggregate classification (germline): Likely pathogenic (1 of 4 stars; one submission).

Submission:

Labcorp Genetics (formerly Invitae), Labcorp
Classification: Likely pathogenic. Last evaluated: 2022-01-11. Review status: criteria provided, single submitter. Criteria: Invitae Variant Classification Sherloc (09022015). Collection method: clinical testing. Allele origin: germline.
Comment: In summary, the currently available evidence indicates that the variant is pathogenic, but additional data are needed to prove that conclusively. Therefore, this variant has been classified as Likely Pathogenic. This variant has not been reported in the literature in individuals affected with NBAS-related conditions. This variant results in a copy number gain of the genomic region encompassing exon(s) 22-25 of the NBAS gene. While the exact position of this variant cannot be determined from the data, sub-genic copy number gains are generally in tandem (PMID: 25640679). This variant is predicted to be out-of-frame, and may result in an absent or disrupted protein product. Loss-of-function variants in NBAS are known to be pathogenic (PMID: 26073778, 26541327, 27789416, 28031453).

Literature cited by the submitters: PubMed 25640679; PubMed 26073778; PubMed 26541327; PubMed 27789416; PubMed 28031453.